The following is an entry in ClinVar:

ClinVar aggregate classification (germline): Pathogenic/Likely pathogenic. Review status: criteria provided, multiple submitters, no conflicts (2 of 4 stars). 2 submissions from 2 submitters: Pathogenic (1); Likely pathogenic (1). Last evaluated 2024-12-03.

Conditions:
Early-infantile DEE. Also called: Early infantile epileptic encephalopathy with suppression bursts; Early infantile epileptic encephalopathy; Ohtahara syndrome. Identifiers: Orphanet 1934, MedGen C0393706, MONDO:0800491.
Generalized epilepsy with febrile seizures plus, type 2 (GEFSP2). Also called: GEFS+, TYPE 2. Identifiers: Orphanet 36387, MedGen C1858673, MONDO:0011461, OMIM 604403.

Submissions (2):

Labcorp Genetics (formerly Invitae), Labcorp
Classification: Likely pathogenic for Early-infantile DEE. Last evaluated: 2024-12-03. Review status: criteria provided, single submitter. Criteria: Invitae Variant Classification Sherloc (09022015). Collection method: clinical testing. Allele origin: germline.
Comment: This sequence change replaces cysteine, which is neutral and slightly polar, with arginine, which is basic and polar, at codon 927 of the SCN1A protein (p.Cys927Arg). This variant is not present in population databases (gnomAD no frequency). This variant has not been reported in the literature in individuals affected with SCN1A-related conditions. ClinVar contains an entry for this variant (Variation ID: 1686149). Invitae Evidence Modeling of protein sequence and biophysical properties (such as structural, functional, and spatial information, amino acid conservation, physicochemical variation, residue mobility, and thermodynamic stability) indicates that this missense variant is expected to disrupt SCN1A protein function with a positive predictive value of 95%. This variant disrupts the p.Cys927 amino acid residue in SCN1A. Other variant(s) that disrupt this residue have been determined to be pathogenic (PMID: 18930999, 29573403, 32090326). This suggests that this residue is clinically significant, and that variants that disrupt this residue are likely to be disease-causing. In summary, the currently available evidence indicates that the variant is pathogenic, but additional data are needed to prove that conclusively. Therefore, this variant has been classified as Likely Pathogenic.

Mendelics
Classification: Pathogenic for Generalized epilepsy with febrile seizures plus, type 2. Last evaluated: 2022-05-04. Review status: criteria provided, single submitter. Criteria: Mendelics Assertion Criteria 2019. Collection method: clinical testing. Allele origin: germline.

Literature cited by the submitters: PubMed 18930999 (cited by Labcorp Genetics (formerly Invitae), Labcorp); PubMed 29573403 (cited by Labcorp Genetics (formerly Invitae), Labcorp); PubMed 32090326 (cited by Labcorp Genetics (formerly Invitae), Labcorp).

NM_001165963.4(SCN1A):c.2779T>C (p.Cys927Arg)

Gene: SCN1A (sodium voltage-gated channel alpha subunit 1; minus strand). Cytogenetic location: 2q24.3.
Variant type: single nucleotide variant.
Coding change: c.2779T>C on transcript NM_001165963.4 (MANE Select); coding-DNA position 2779, T replaced by C.
Protein change: p.Cys927Arg; replaces cysteine 927 with arginine.
Molecular consequence: missense variant. On other transcripts: non-coding transcript variant (1).
Genome position (GRCh38, 1-based): chr2:166,037,943, A>G on the plus strand (T>C on the coding strand, the complement: SCN1A is on the minus strand). VCF-style: chr2-166037943-A-G. GRCh37 (hg19) VCF-style: chr2-166894453-A-G.
Other names: c.2695T>C, p.Cys899Arg (NM_001165964.3, NM_001353957.2, NM_001353958.2); c.2779T>C, p.Cys927Arg (NM_001202435.3, NM_001353948.2); c.2746T>C, p.Cys916Arg (NM_001353949.2, NM_001353950.2, NM_001353951.2 and 2 more transcripts); c.2743T>C, p.Cys915Arg (NM_001353954.2, NM_001353955.2); c.2692T>C, p.Cys898Arg (NM_001353960.2); c.337T>C, p.Cys113Arg (NM_001353961.2); short protein forms C113R, C898R, C899R, C915R, C916R, C927R.
Identifiers: ClinVar variation 1686149 (VCV001686149.4), dbSNP rs2105807206, ClinGen allele CA349061389.